The following is an entry in ClinVar:

ClinVar aggregate classification (germline): Pathogenic (1 of 4 stars; one submission).

Submission:

Labcorp Genetics (formerly Invitae), Labcorp
Classification: Pathogenic. Last evaluated: 2017-12-07. Review status: criteria provided, single submitter. Criteria: Invitae Variant Classification Sherloc (09022015). Collection method: clinical testing. Allele origin: germline.
Comment: A gross deletion of the genomic region encompassing the full coding sequence of the TNFRSF11B gene has been identified. The boundaries of this event are unknown as the deletion extends beyond the assayed region for this gene and therefore may encompass additional genes. Whole-gene deletions of TNFRSF11B have been reported to be homozygous in individuals affected with juvenile Pagetâ€šÃ„Ã´s disease (PMID: 12124406). Loss-of-function variants in TNFRSF11B are known to be pathogenic (PMID: 9647741, 26762549). For these reasons, this variant has been classified as Pathogenic.

Literature cited by the submitters: PubMed 12124406; PubMed 9647741; PubMed 26762549.

NC_000008.10:g.(?_119936613)_(119964060_?)del

Gene: TNFRSF11B (TNF receptor superfamily member 11b; minus strand). Cytogenetic location: 8q24.12.
Variant type: Deletion.
Identifiers: ClinVar variation 1076352 (VCV001076352.1).